The following is an entry in ClinVar:

ClinVar aggregate classification (germline): Likely benign. Review status: criteria provided, single submitter (1 of 4 stars). 2 submissions from 2 submitters: Likely benign (1). 1 of the submissions does not count toward it. Last evaluated 2026-01-26.

Conditions:
ATP1A3-related disorder. Also called: ATP1A3-related disorders; ATP1A3-related condition. Identifiers: MedGen CN381097.
Dystonia 12 (DYT12). Also called: Rapid-Onset Dystonia-Parkinsonism (RDP); DYT-ATP1A3. Identifiers: Orphanet 71517, MedGen C1868681, MONDO:0007496, OMIM 128235.

Allele frequency attached by ClinVar (database versions not stated): gnomAD exomes 0.00003 and 0.00005; ExAC 0.00007; TOPMed 0.00014; ESP Exome Variant Server 0.00015; 1000 Genomes Project 30x 0.00016; 1000 Genomes Project 0.00020; gnomAD 0.00021 and 0.00022.
gnomAD v4.1: 79 of 1,614,130 alleles (0.0049%); highest among the groups gnomAD compares: African/African-American, 0.065%; no homozygotes.

Submissions (2):

Labcorp Genetics (formerly Invitae), Labcorp
Classification: Likely benign for Dystonia 12. Last evaluated: 2026-01-26. Review status: criteria provided, single submitter. Criteria: Invitae Variant Classification Sherloc (09022015). Collection method: clinical testing. Allele origin: germline.

PreventionGenetics, part of Exact Sciences
Classification: Likely benign for ATP1A3-related condition. Last evaluated: 2023-08-04. Review status: no assertion criteria provided. Collection method: clinical testing. Allele origin: germline. Not counted in ClinVar's aggregate classification.
Comment: This variant is classified as likely benign based on ACMG/AMP sequence variant interpretation guidelines (Richards et al. 2015 PMID: 25741868, with internal and published modifications).

NM_152296.5(ATP1A3):c.7-17G>A

Gene: ATP1A3 (ATPase Na+/K+ transporting subunit alpha 3; minus strand). Cytogenetic location: 19q13.2.
Variant type: single nucleotide variant.
Coding change: c.7-17G>A on transcript NM_152296.5 (MANE Select); 17 bases into the intron before coding-DNA position 7, G replaced by A.
Molecular consequence: intron variant. On other transcripts: missense variant (1).
Genome position (GRCh38, 1-based): chr19:41,988,579, C>T on the plus strand (G>A on the coding strand, the complement: ATP1A3 is on the minus strand). VCF-style: chr19-41988579-C-T. GRCh37 (hg19) VCF-style: chr19-42492731-C-T.
Other names: c.29G>A, p.Arg10His (NM_001256214.2); c.40-17G>A (NM_001256213.2); c.29G>A (NM_001256214.1); short protein forms R10H.
Identifiers: ClinVar variation 1664671 (VCV001664671.10), dbSNP rs201253471, ClinGen allele CA9467994.